The following is an entry in ClinVar:

ClinVar aggregate classification (germline): Uncertain significance. Review status: criteria provided, multiple submitters, no conflicts (2 of 4 stars). 12 submissions from 11 submitters: Uncertain significance (10). 2 of the submissions do not count toward it. Last evaluated 2026-03-19.

Conditions:
Hereditary cancer-predisposing syndrome. Also called: Neoplastic Syndromes, Hereditary; Hereditary Cancer Syndrome; Tumor predisposition; Hereditary neoplastic syndrome. Identifiers: Orphanet 140162, MedGen C0027672, MeSH D009386, MONDO:0015356.
Familial cancer of breast. Also called: hereditary breast carcinoma; BREAST CANCER, FAMILIAL; Hereditary breast cancer. Identifiers: Orphanet 227535, MedGen C0346153, MONDO:0016419, OMIM 114480. Disease mechanism: loss of function.
Fanconi anemia complementation group J. Also called: BRIP1-Related Fanconi Anemia. Identifiers: Orphanet 84, MedGen C1836860, MONDO:0012187, OMIM 609054.
Ovarian cancer. Also called: OVARIAN CANCER, SOMATIC. Identifiers: Orphanet 213500, MedGen C1140680, MONDO:0008170, OMIM 167000.

Allele frequency attached by ClinVar (database versions not stated): TOPMed 0.00001; ExAC 0.00003; gnomAD exomes 0.00003.
gnomAD v4.1: 10 of 1,614,004 alleles (0.00062%); highest among the groups gnomAD compares: Admixed American, 0.015%; no homozygotes.

Submissions (12):

Ambry Genetics
Classification: Uncertain significance for Hereditary cancer-predisposing syndrome. Last evaluated: 2026-03-19. Review status: criteria provided, single submitter. Criteria: Ambry Variant Classification Scheme 2023. Collection method: clinical testing. Allele origin: germline.

Labcorp Genetics (formerly Invitae), Labcorp
Classification: Uncertain significance for Familial cancer of breast; Fanconi anemia complementation group J. Last evaluated: 2026-01-26. Review status: criteria provided, single submitter. Criteria: Invitae Variant Classification Sherloc (09022015). Collection method: clinical testing. Allele origin: germline.
Comment: This sequence change replaces histidine, which is basic and polar, with tyrosine, which is neutral and polar, at codon 888 of the BRIP1 protein (p.His888Tyr). This variant is present in population databases (rs757668121, gnomAD 0.009%). This variant has not been reported in the literature in individuals affected with BRIP1-related conditions. ClinVar contains an entry for this variant (Variation ID: 216792). Invitae Evidence Modeling of protein sequence and biophysical properties (such as structural, functional, and spatial information, amino acid conservation, physicochemical variation, residue mobility, and thermodynamic stability) has been performed for this missense variant. However, the output from this modeling did not meet the statistical confidence thresholds required to predict the impact of this variant on BRIP1 protein function. In summary, the available evidence is currently insufficient to determine the role of this variant in disease. Therefore, it has been classified as a Variant of Uncertain Significance.

Quest Diagnostics Nichols Institute San Juan Capistrano
Classification: Uncertain significance. Last evaluated: 2025-01-15. Review status: criteria provided, single submitter. Criteria: Quest Diagnostics criteria. Collection method: clinical testing. Allele origin: unknown.
Comment: The BRIP1 c.2662C>T (p.His888Tyr) variant has been reported in the published literature in an individual with endometrial cancer (PMID: 27443514 (2016)). The frequency of this variant in the general population (Genome Aggregation Database) is uninformative in the assessment of its pathogenicity. Analysis of this variant using bioinformatics tools for the prediction of the effect of amino acid changes on protein structure and function yielded predictions that this variant is benign. Based on the available information, we are unable to determine the clinical significance of this variant.

Department of Pathology and Laboratory Medicine, Sinai Health System
Classification: Uncertain significance for Familial cancer of breast. Last evaluated: 2024-05-28. Review status: criteria provided, single submitter. Criteria: ACMG Guidelines, 2015. Collection method: clinical testing. Allele origin: germline. Affected: yes.

Baylor Genetics
Classification: Uncertain significance for Familial cancer of breast. Last evaluated: 2024-02-03. Review status: criteria provided, single submitter. Criteria: ACMG Guidelines, 2015. Collection method: clinical testing. Allele origin: unknown.

Myriad Genetics, Inc.
Classification: Uncertain significance for Familial cancer of breast. Last evaluated: 2023-02-28. Review status: criteria provided, single submitter. Criteria: Myriad Autosomal Dominant, Autosomal Recessive and X-Linked Classification Criteria (2023). Collection method: clinical testing. Allele origin: unknown.
Comment: This variant is classified as a variant of uncertain significance as there is insufficient evidence to determine its impact on protein function and/or cancer risk.

Women's Health and Genetics/Laboratory Corporation of America, LabCorp
Classification: Uncertain significance. Last evaluated: 2022-09-19. Review status: criteria provided, single submitter. Criteria: LabCorp Variant Classification Summary - May 2015. Collection method: clinical testing. Allele origin: germline.
Comment: Variant summary: BRIP1 c.2662C>T (p.His888Tyr) results in a conservative amino acid change in the encoded protein sequence. Four of five in-silico tools predict a benign effect of the variant on protein function. The variant allele was found at a frequency of 2.8e-05 in 251272 control chromosomes. The available data on variant occurrences in the general population are insufficient to allow any conclusion about variant significance. c.2662C>T has been reported in the literature in one individual affected with endometrial cancer. This report does not provide unequivocal conclusions about association of the variant with Hereditary Breast And Ovarian Cancer Syndrome. Co-occurrences with other pathogenic variant has been reported (BRCA1 c.5359_5363delinsAGTGA, p.Cys1787_Gly1788delinsSerAsp), providing supporting evidence for a benign role. To our knowledge, no experimental evidence demonstrating an impact on protein function has been reported. Six clinical diagnostic laboratories have submitted clinical-significance assessments for this variant to ClinVar after 2014 without evidence for independent evaluation. All laboratories classified the variant as uncertain significance. Based on the evidence outlined above, the variant was classified as uncertain significance.

GeneDx
Classification: Uncertain significance. Last evaluated: 2022-05-16. Review status: criteria provided, single submitter. Criteria: GeneDx Variant Classification Process June 2021. Collection method: clinical testing. Allele origin: germline. Affected: yes.
Comment: In silico analysis supports that this missense variant does not alter protein structure/function; Observed in an individual with endometrial cancer (Ring 2016); This variant is associated with the following publications: (PMID: 27443514, 11301010)

Color Diagnostics, LLC DBA Color Health
Classification: Uncertain significance for Hereditary cancer-predisposing syndrome. Last evaluated: 2021-07-15. Review status: criteria provided, single submitter. Criteria: ACMG Guidelines, 2015. Collection method: clinical testing. Allele origin: germline.
Comment: This missense variant replaces histidine with tyrosine at codon 888 of the BRIP1 protein. Computational prediction suggests that this variant may not impact protein structure and function (internally defined REVEL score threshold <= 0.5, PMID: 27666373). To our knowledge, functional studies have not been reported for this variant. This variant has been reported in an individual affected with endometrial cancer (PMID: 27443514). This variant has also been identified in 7/251272 chromosomes in the general population by the Genome Aggregation Database (gnomAD). The available evidence is insufficient to determine the role of this variant in disease conclusively. Therefore, this variant is classified as a Variant of Uncertain Significance.

PreventionGenetics, part of Exact Sciences
Classification: Uncertain significance. Last evaluated: 2017-03-27. Review status: criteria provided, single submitter. Criteria: ACMG Guidelines, 2015. Collection method: clinical testing. Allele origin: germline.

Counsyl
Classification: Uncertain significance for Fanconi anemia complementation group J. Last evaluated: 2016-10-11. Review status: no assertion criteria provided. Collection method: clinical testing. Allele origin: unknown. Not counted in ClinVar's aggregate classification.

Counsyl
Classification: Uncertain significance for Ovarian cancer. Last evaluated: 2016-10-11. Review status: no assertion criteria provided. Collection method: clinical testing. Allele origin: unknown. Not counted in ClinVar's aggregate classification.

Literature cited by the submitters: PubMed 27443514 (cited by 4 submitters).

NM_032043.3(BRIP1):c.2662C>T (p.His888Tyr)

Gene: BRIP1 (BRCA1 interacting DNA helicase 1; minus strand). Cytogenetic location: 17q23.2.
Variant type: single nucleotide variant.
Coding change: c.2662C>T on transcript NM_032043.3 (MANE Select); coding-DNA position 2662, C replaced by T.
Protein change: p.His888Tyr; replaces histidine 888 with tyrosine.
Molecular consequence: missense variant.
Genome position (GRCh38, 1-based): chr17:61,686,079, G>A on the plus strand (C>T on the coding strand, the complement: BRIP1 is on the minus strand). VCF-style: chr17-61686079-G-A. GRCh37 (hg19) VCF-style: chr17-59763440-G-A.
Other names: short protein forms H888Y.
Identifiers: ClinVar variation 216792 (VCV000216792.33), dbSNP rs757668121, ClinGen allele CA337727.
Genomic context (GRCh38, chr17:61,686,079, plus strand): 5'-TAGACTCATTGTCCTGTATATTGGTTCTGTCCTTTATGGATACATTAAGAACTTTTTGAT[G>A]CTTTTTGGAAAATTCAGCCAAGGATTCCAGTGCACTTTCAAAGGTTGAATGGTGCTGAAT-3'
Protein context (NP_114432.2, residues 878-898): LESLAEFSKK[His888Tyr]QKVLNVSIKD